The following is an entry in ClinVar:

NM_024675.4(PALB2):c.1562C>T (p.Thr521Ile)

Gene: PALB2 (partner and localizer of BRCA2; minus strand). Cytogenetic location: 16p12.2.
Variant type: single nucleotide variant.
Coding change: c.1562C>T on transcript NM_024675.4 (MANE Select); coding-DNA position 1562, C replaced by T.
Protein change: p.Thr521Ile; replaces threonine 521 with isoleucine.
Molecular consequence: missense variant.
Genome position (GRCh38, 1-based): chr16:23,634,984, G>A on the plus strand (C>T on the coding strand, the complement: PALB2 is on the minus strand). VCF-style: chr16-23634984-G-A. GRCh37 (hg19) VCF-style: chr16-23646305-G-A.
Other names: short protein forms T521I.
Identifiers: ClinVar variation 480239 (VCV000480239.17), dbSNP rs1555461218, ClinGen allele CA395130739.

ClinVar aggregate classification (germline): Conflicting classifications of pathogenicity. Review status: criteria provided, conflicting classifications (1 of 4 stars). 3 submissions from 3 submitters: Uncertain significance (2); Likely benign (1). Last evaluated 2025-12-01.

Conditions:
Hereditary cancer-predisposing syndrome. Also called: Neoplastic Syndromes, Hereditary; Tumor predisposition; Hereditary neoplastic syndrome; Hereditary Cancer Syndrome. Identifiers: Orphanet 140162, MedGen C0027672, MeSH D009386, MONDO:0015356.
Breast-ovarian cancer, familial, susceptibility to, 5 (BROVCA5). Identifiers: MedGen C5830615, MONDO:0957530, OMIM 620442.
Familial cancer of breast. Also called: BREAST CANCER, FAMILIAL; Hereditary breast cancer; hereditary breast carcinoma. Identifiers: Orphanet 227535, MedGen C0346153, MONDO:0016419, OMIM 114480. Disease mechanism: loss of function.

Submissions (3):

Dasa
Classification: Uncertain significance for Breast-ovarian cancer, familial, susceptibility to, 5. Last evaluated: 2025-12-01. Review status: criteria provided, single submitter. Criteria: DASA Assertion Criteria. Collection method: clinical testing. Allele origin: germline.
Comment: NM_024675.4(PALB2):c.1562C>T (p.Thr521Ile) is a missense variant that results in the substitution of threonine with isoleucine. This variant is absent from population databases. The currently available literature and clinical evidence are not sufficient to establish a definitive association between this variant and the reported condition. Therefore, this variant is classified as a variant of uncertain significance.

Labcorp Genetics (formerly Invitae), Labcorp
Classification: Uncertain significance for Familial cancer of breast. Last evaluated: 2025-02-27. Review status: criteria provided, single submitter. Criteria: Invitae Variant Classification Sherloc (09022015). Collection method: clinical testing. Allele origin: germline.
Comment: This sequence change replaces threonine, which is neutral and polar, with isoleucine, which is neutral and non-polar, at codon 521 of the PALB2 protein (p.Thr521Ile). This variant is not present in population databases (gnomAD no frequency). This variant has not been reported in the literature in individuals affected with PALB2-related conditions. ClinVar contains an entry for this variant (Variation ID: 480239). Invitae Evidence Modeling of protein sequence and biophysical properties (such as structural, functional, and spatial information, amino acid conservation, physicochemical variation, residue mobility, and thermodynamic stability) indicates that this missense variant is not expected to disrupt PALB2 protein function with a negative predictive value of 80%. In summary, the available evidence is currently insufficient to determine the role of this variant in disease. Therefore, it has been classified as a Variant of Uncertain Significance.

Ambry Genetics
Classification: Likely benign for Hereditary cancer-predisposing syndrome. Last evaluated: 2016-03-07. Review status: criteria provided, single submitter. Criteria: Ambry Variant Classification Scheme 2023. Collection method: clinical testing. Allele origin: germline.